The following is an entry in ClinVar:

NM_198525.3(KIF7):c.465C>T (p.Asp155=)

Gene: KIF7 (kinesin family member 7; minus strand). Cytogenetic location: 15q26.1.
Variant type: single nucleotide variant.
Coding change: c.465C>T on transcript NM_198525.3 (MANE Select); coding-DNA position 465, C replaced by T.
Protein change: p.Asp155=; no amino-acid change (aspartic acid 155 retained).
Molecular consequence: synonymous variant.
Genome position (GRCh38, 1-based): chr15:89,649,805, G>A on the plus strand (C>T on the coding strand, the complement: KIF7 is on the minus strand). VCF-style: chr15-89649805-G-A. GRCh37 (hg19) VCF-style: chr15-90193036-G-A.
Identifiers: ClinVar variation 723600 (VCV000723600.12), dbSNP rs765350587, ClinGen allele CA7728632.
Genomic context (GRCh38, chr15:89,649,805, plus strand): 5'-ATTCCCGCGCTCATCTTCCCGGAGCTGGATGTCACGGCTGGCAGTGCCCACCTCGAGCAG[G>A]TCTCGGAACTCCTCCTTGTACACTTCCAGGTAGGACACATGTACCAGACAGTCAAGCAGG-3'
Protein context (NP_940927.2, residues 145-165): YLEVYKEEFR[Asp155=]LLEVGTASRD

ClinVar aggregate classification (germline): Likely benign. Review status: criteria provided, multiple submitters, no conflicts (2 of 4 stars). 3 submissions from 3 submitters: Likely benign (2). 1 of the submissions does not count toward it. Last evaluated 2025-07-28.

Conditions:
Acrocallosal syndrome (ACLS). Also called: HALLUX DUPLICATION, POSTAXIAL POLYDACTYLY, AND ABSENCE OF CORPUS CALLOSUM; Schinzel syndrome 1; Absence of corpus callosum with unusual facial appearance, mental deficiency, duplication of the halluces and polydactyly. Identifiers: Orphanet 36, MedGen C0796147, MONDO:0008708, OMIM 200990.
KIF7-related disorder. Also called: KIF7-related condition.

Allele frequency attached by ClinVar (database versions not stated): gnomAD exomes 0.00002 and 0.00004; ExAC 0.00009; 1000 Genomes Project 30x 0.00016; gnomAD 0.00033 and 0.00036; TOPMed 0.00033.
gnomAD v4.1: 84 of 1,551,804 alleles (0.0054%); highest among the groups gnomAD compares: African/African-American, 0.1%; no homozygotes.

Submissions (3):

Labcorp Genetics (formerly Invitae), Labcorp
Classification: Likely benign for Acrocallosal syndrome. Last evaluated: 2025-07-28. Review status: criteria provided, single submitter. Criteria: Invitae Variant Classification Sherloc (09022015). Collection method: clinical testing. Allele origin: germline.

Blueprint Genetics
Classification: Likely benign. Last evaluated: 2022-08-26. Review status: criteria provided, single submitter. Criteria: ACMG Guidelines, 2015. Collection method: clinical testing. Allele origin: germline.

PreventionGenetics, part of Exact Sciences
Classification: Likely benign for KIF7-related condition. Last evaluated: 2019-04-04. Review status: no assertion criteria provided. Collection method: clinical testing. Allele origin: germline. Not counted in ClinVar's aggregate classification.
Comment: This variant is classified as likely benign based on ACMG/AMP sequence variant interpretation guidelines (Richards et al. 2015 PMID: 25741868, with internal and published modifications).